The following is an entry in ClinVar:

NM_015354.3(NUP188):c.4738-3C>T

Gene: NUP188 (nucleoporin 188; plus strand). Cytogenetic location: 9q34.11.
Variant type: single nucleotide variant.
Coding change: c.4738-3C>T on transcript NM_015354.3 (MANE Select); 3 bases into the intron before coding-DNA position 4738, C replaced by T.
Molecular consequence: intron variant.
Genome position (GRCh38, 1-based): chr9:129,005,642, C>T. VCF-style: chr9-129005642-C-T. GRCh37 (hg19) VCF-style: chr9-131767921-C-T.
Identifiers: ClinVar variation 3051816 (VCV003051816.2), dbSNP rs375813233, ClinGen allele CA5273448.

ClinVar aggregate classification (germline): Likely benign (0 of 4 stars; one submission).

Conditions:
NUP188-related disorder. Also called: NUP188-related condition.

Allele frequency attached by ClinVar (database versions not stated): TOPMed 0.00006; gnomAD 0.00007; ESP Exome Variant Server 0.00008; ExAC 0.00009.
gnomAD v4.1: 111 of 1,612,906 alleles (0.0069%); highest among the groups gnomAD compares: Middle Eastern, 0.31%; no homozygotes.

Submission:

PreventionGenetics, part of Exact Sciences
Classification: Likely benign for NUP188-related condition. Last evaluated: 2019-04-25. Review status: no assertion criteria provided. Collection method: clinical testing. Allele origin: germline.
Comment: This variant is classified as likely benign based on ACMG/AMP sequence variant interpretation guidelines (Richards et al. 2015 PMID: 25741868, with internal and published modifications).